The following is an entry in ClinVar:

ClinVar aggregate classification (germline): Uncertain significance. Review status: criteria provided, multiple submitters, no conflicts (2 of 4 stars). 2 submissions from 2 submitters: Uncertain significance (2). Last evaluated 2024-11-18.

Allele frequency attached by ClinVar (database versions not stated): gnomAD exomes below 0.00001; ExAC 0.00001; gnomAD 0.00001; TOPMed 0.00001.
gnomAD v4.1: 7 of 1,614,028 alleles (0.00043%); highest among the groups gnomAD compares: Non-Finnish European, 0.00059%; no homozygotes.

Submissions (2):

Ambry Genetics
Classification: Uncertain significance. Last evaluated: 2024-11-18. Review status: criteria provided, single submitter. Criteria: Ambry Variant Classification Scheme 2023. Collection method: clinical testing. Allele origin: germline.
Comment: The p.T759P variant (also known as c.2275A>C), located in coding exon 1 of the TET2 gene, results from an A to C substitution at nucleotide position 2275. The threonine at codon 759 is replaced by proline, an amino acid with highly similar properties. This amino acid position is conserved. In addition, this alteration is predicted to be tolerated by in silico analysis. Based on the available evidence, the clinical significance of this variant remains unclear.

Labcorp Genetics (formerly Invitae), Labcorp
Classification: Uncertain significance. Last evaluated: 2022-08-19. Review status: criteria provided, single submitter. Criteria: Invitae Variant Classification Sherloc (09022015). Collection method: clinical testing. Allele origin: germline.
Comment: This variant has not been reported in the literature in individuals affected with TET2-related conditions. Algorithms developed to predict the effect of missense changes on protein structure and function (SIFT, PolyPhen-2, Align-GVGD) all suggest that this variant is likely to be tolerated. In summary, the available evidence is currently insufficient to determine the role of this variant in disease. Therefore, it has been classified as a Variant of Uncertain Significance. This variant is present in population databases (rs775785560, gnomAD 0.0009%). This sequence change replaces threonine, which is neutral and polar, with proline, which is neutral and non-polar, at codon 759 of the TET2 protein (p.Thr759Pro).

NM_001127208.3(TET2):c.2275A>C (p.Thr759Pro)

Genes: TET2 (tet methylcytosine dioxygenase 2; plus strand), TET2-AS1 (TET2 antisense RNA 1; minus strand). Cytogenetic location: 4q24.
Variant type: single nucleotide variant.
Coding change: c.2275A>C on transcript NM_001127208.3 (MANE Select); coding-DNA position 2275, A replaced by C.
Protein change: p.Thr759Pro; replaces threonine 759 with proline.
Molecular consequence: missense variant.
Genome position (GRCh38, 1-based): chr4:105,236,217, A>C. VCF-style: chr4-105236217-A-C. GRCh37 (hg19) VCF-style: chr4-106157374-A-C.
Other names: c.2275A>C, p.Thr759Pro (NM_017628.4); short protein forms T759P.
Identifiers: ClinVar variation 1895666 (VCV001895666.6), dbSNP rs775785560, ClinGen allele CA3031849.